The following is an entry in ClinVar:

NM_000447.3(PSEN2):c.279G>C (p.Val93=)

Gene: PSEN2 (presenilin 2; plus strand). Cytogenetic location: 1q42.13.
Variant type: single nucleotide variant.
Coding change: c.279G>C on transcript NM_000447.3 (MANE Select); coding-DNA position 279, G replaced by C.
Protein change: p.Val93=; no amino-acid change (valine 93 retained).
Molecular consequence: synonymous variant.
Genome position (GRCh38, 1-based): chr1:226,883,842, G>C. VCF-style: chr1-226883842-G-C. GRCh37 (hg19) VCF-style: chr1-227071543-G-C.
Other names: c.279G>C, p.Val93= (NM_012486.3).
Identifiers: ClinVar variation 533783 (VCV000533783.16), dbSNP rs200350640, ClinGen allele CA1424453.

ClinVar aggregate classification (germline): Likely benign. Review status: criteria provided, multiple submitters, no conflicts (2 of 4 stars). 3 submissions from 3 submitters: Likely benign (2). 1 of the submissions does not count toward it. Last evaluated 2025-11-14.

Conditions:
Alzheimer disease 4 (AD4). Identifiers: Orphanet 1020, MedGen C1847200, MONDO:0011743, OMIM 606889.
PSEN2-related disorder. Also called: PSEN2-related condition.

Allele frequency attached by ClinVar (database versions not stated): gnomAD 0.00001 and 0.00002; gnomAD exomes 0.00001 and 0.00004; ExAC 0.00003; TOPMed 0.00004.
gnomAD v4.1: 54 of 1,613,994 alleles (0.0033%); highest among the groups gnomAD compares: East Asian, 0.033%; no homozygotes.

Submissions (3):

Women's Health and Genetics/Laboratory Corporation of America, LabCorp
Classification: Likely benign. Last evaluated: 2025-11-14. Review status: criteria provided, single submitter. Criteria: LabCorp Variant Classification Summary - May 2015. Collection method: clinical testing. Allele origin: germline.

Labcorp Genetics (formerly Invitae), Labcorp
Classification: Likely benign for Alzheimer disease 4. Last evaluated: 2025-04-17. Review status: criteria provided, single submitter. Criteria: Invitae Variant Classification Sherloc (09022015). Collection method: clinical testing. Allele origin: germline.

PreventionGenetics, part of Exact Sciences
Classification: Likely benign for PSEN2-related condition. Last evaluated: 2023-11-17. Review status: no assertion criteria provided. Collection method: clinical testing. Allele origin: germline. Not counted in ClinVar's aggregate classification.
Comment: This variant is classified as likely benign based on ACMG/AMP sequence variant interpretation guidelines (Richards et al. 2015 PMID: 25741868, with internal and published modifications).